The following is an entry in ClinVar:

ClinVar aggregate classification (germline): Uncertain significance. Review status: criteria provided, multiple submitters, no conflicts (2 of 4 stars). 2 submissions from 2 submitters: Uncertain significance (2). Last evaluated 2024-05-23.

Conditions:
PMM2-congenital disorder of glycosylation. Also called: PMM2-CDG; PHOSPHOMANNOMUTASE 2 DEFICIENCY; CARBOHYDRATE-DEFICIENT GLYCOPROTEIN SYNDROME, TYPE Ia; JAEKEN SYNDROME; Congenital disorder of glycosylation, type Ia; CDG Ia. Identifiers: Orphanet 79318, MedGen C0349653, MONDO:0008907, OMIM 212065.

Allele frequency attached by ClinVar (database versions not stated): gnomAD exomes 0.00001; ExAC 0.00003; ESP Exome Variant Server 0.00008.
gnomAD v4.1: 19 of 1,612,436 alleles (0.0012%); highest among the groups gnomAD compares: Non-Finnish European, 0.0015%; no homozygotes.

Submissions (2):

Labcorp Genetics (formerly Invitae), Labcorp
Classification: Uncertain significance for PMM2-congenital disorder of glycosylation. Last evaluated: 2024-05-23. Review status: criteria provided, single submitter. Criteria: Invitae Variant Classification Sherloc (09022015). Collection method: clinical testing. Allele origin: germline.
Comment: This sequence change replaces valine, which is neutral and non-polar, with leucine, which is neutral and non-polar, at codon 43 of the PMM2 protein (p.Val43Leu). This variant is present in population databases (rs376754460, gnomAD 0.003%). This variant has not been reported in the literature in individuals affected with PMM2-related conditions. ClinVar contains an entry for this variant (Variation ID: 1053724). Advanced modeling of protein sequence and biophysical properties (such as structural, functional, and spatial information, amino acid conservation, physicochemical variation, residue mobility, and thermodynamic stability) performed at Invitae indicates that this missense variant is expected to disrupt PMM2 protein function with a positive predictive value of 80%. In summary, the available evidence is currently insufficient to determine the role of this variant in disease. Therefore, it has been classified as a Variant of Uncertain Significance.

Fulgent Genetics
Classification: Uncertain significance for PMM2-congenital disorder of glycosylation. Last evaluated: 2021-12-14. Review status: criteria provided, single submitter. Criteria: ACMG Guidelines, 2015. Collection method: clinical testing. Allele origin: unknown.

NM_000303.3(PMM2):c.127G>C (p.Val43Leu)

Gene: PMM2 (phosphomannomutase 2; plus strand). Cytogenetic location: 16p13.2.
Variant type: single nucleotide variant.
Coding change: c.127G>C on transcript NM_000303.3 (MANE Select); coding-DNA position 127, G replaced by C.
Protein change: p.Val43Leu; replaces valine 43 with leucine.
Molecular consequence: missense variant.
Genome position (GRCh38, 1-based): chr16:8,801,859, G>C. VCF-style: chr16-8801859-G-C. GRCh37 (hg19) VCF-style: chr16-8895716-G-C.
Other names: short protein forms V43L.
Identifiers: ClinVar variation 1053724 (VCV001053724.8), dbSNP rs376754460, ClinGen allele CA7893897.